The following is an entry in ClinVar:

NM_003001.5(SDHC):c.351G>A (p.Lys117=)

Gene: SDHC (succinate dehydrogenase complex subunit C; plus strand). Cytogenetic location: 1q23.3.
Variant type: single nucleotide variant.
Coding change: c.351G>A on transcript NM_003001.5 (MANE Select); coding-DNA position 351, G replaced by A.
Protein change: p.Lys117=; no amino-acid change (lysine 117 retained).
Molecular consequence: synonymous variant. On other transcripts: non-coding transcript variant (1), intron variant (3).
Genome position (GRCh38, 1-based): chr1:161,356,786, G>A. VCF-style: chr1-161356786-G-A. GRCh37 (hg19) VCF-style: chr1-161326576-G-A.
Other names: c.249G>A, p.Lys83= (NM_001035512.3); c.192G>A, p.Lys64= (NM_001035513.3); c.471G>A, p.Lys157= (NM_001407115.1); c.294G>A, p.Lys98= (NM_001407116.1); c.288G>A, p.Lys96= (NM_001407117.1); c.243G>A, p.Lys81= (NM_001407118.1); c.240G>A, p.Lys80= (NM_001407119.1, NM_001407120.1); c.242-5543G>A (NM_001035511.3); and 2 more.
Identifiers: ClinVar variation 705757 (VCV000705757.15), dbSNP rs1571890344, ClinGen allele CA421501074.

ClinVar aggregate classification (germline): Conflicting classifications of pathogenicity. Review status: criteria provided, conflicting classifications (1 of 4 stars). 4 submissions from 4 submitters: Uncertain significance (1); Benign (1); Likely benign (2). Last evaluated 2025-11-07.

Conditions:
Gastrointestinal stromal tumor. Also called: Gastrointestinal stromal tumor, somatic; Gastrointestinal stroma tumor. Identifiers: Orphanet 44890, MedGen C0238198, MeSH D046152, MONDO:0011719, OMIM 606764, HP:0100723.
Pheochromocytoma/paraganglioma syndrome 3. Also called: SDHC-Related Hereditary Paraganglioma-Pheochromocytoma Syndrome (Paragangliomas 3); SDHC-Related Hereditary Paraganglioma-Pheochromocytoma Syndrome; GLOMUS TUMORS, FAMILIAL, 3; Paragangliomas 3. Identifiers: Orphanet 29072, MedGen C1854336, MONDO:0011544, OMIM 605373.
Hereditary cancer-predisposing syndrome. Also called: Neoplastic Syndromes, Hereditary; Hereditary Cancer Syndrome; Hereditary neoplastic syndrome; Tumor predisposition. Identifiers: Orphanet 140162, MedGen C0027672, MeSH D009386, MONDO:0015356.

Allele frequency attached by ClinVar (database versions not stated): gnomAD exomes below 0.00001.
gnomAD v4.1: 3 of 1,614,154 alleles (0.00019%); highest among the groups gnomAD compares: Admixed American, 0.0033%; no homozygotes.

Submissions (4):

Labcorp Genetics (formerly Invitae), Labcorp
Classification: Likely benign for Pheochromocytoma/paraganglioma syndrome 3; Gastrointestinal stromal tumor. Last evaluated: 2025-11-07. Review status: criteria provided, single submitter. Criteria: Invitae Variant Classification Sherloc (09022015). Collection method: clinical testing. Allele origin: germline.

Myriad Genetics, Inc.
Classification: Benign for Pheochromocytoma/paraganglioma syndrome 3. Last evaluated: 2025-03-17. Review status: criteria provided, single submitter. Criteria: Myriad Autosomal Dominant, Autosomal Recessive and X-Linked Classification Criteria (2023). Collection method: clinical testing. Allele origin: unknown.
Comment: This variant is considered benign. This variant is a silent/synonymous amino acid change and it is not expected to impact splicing.

Quest Diagnostics Nichols Institute San Juan Capistrano
Classification: Uncertain significance. Last evaluated: 2022-11-25. Review status: criteria provided, single submitter. Criteria: Quest Diagnostics criteria. Collection method: clinical testing. Allele origin: unknown.
Comment: To the best of our knowledge, the variant has not been reported in the published literature. It also has not been reported in large, multi-ethnic general populations. Analysis of this variant using software algorithms for the prediction of the effect of nucleotide changes on splicing yielded predictions that this variant does not affect SDHC mRNA splicing . Based on the available information, we are unable to determine the clinical significance of this variant.

Ambry Genetics
Classification: Likely benign for Hereditary cancer-predisposing syndrome. Last evaluated: 2022-09-13. Review status: criteria provided, single submitter. Criteria: Ambry Variant Classification Scheme 2023. Collection method: clinical testing. Allele origin: germline.